The following is an entry in ClinVar:

NM_152564.5(VPS13B):c.10323T>G (p.Phe3441Leu)

Gene: VPS13B (vacuolar protein sorting 13 homolog B; plus strand). Cytogenetic location: 8q22.2.
Variant type: single nucleotide variant.
Coding change: c.10323T>G on transcript NM_152564.5 (MANE Select); coding-DNA position 10323, T replaced by G.
Protein change: p.Phe3441Leu; replaces phenylalanine 3441 with leucine.
Molecular consequence: missense variant.
Genome position (GRCh38, 1-based): chr8:99,853,712, T>G. VCF-style: chr8-99853712-T-G. GRCh37 (hg19) VCF-style: chr8-100865940-T-G.
Other names: c.10398T>G, p.Phe3466Leu (NM_017890.5); short protein forms F3441L, F3466L.
Identifiers: ClinVar variation 4985143 (VCV004985143.1).

ClinVar aggregate classification (germline): Uncertain significance (1 of 4 stars; one submission).

Conditions:
VPS13B-related disorder. Also called: VPS13B-related condition.

gnomAD v4.1: 35 of 1,614,144 alleles (0.0022%); highest among the groups gnomAD compares: Non-Finnish European, 0.0029%; no homozygotes.

Submission:

PreventionGenetics, part of Exact Sciences
Classification: Uncertain significance for VPS13B-related condition. Last evaluated: 2025-10-24. Review status: criteria provided, single submitter. Criteria: ACMG Guidelines, 2015. Collection method: clinical testing. Allele origin: germline.
Comment: The VPS13B c.10323T>G variant is predicted to result in the amino acid substitution p.Phe3441Leu. To our knowledge, this variant has not been reported in the literature. This variant is reported in 0.0035% of alleles in individuals of European (Non-Finnish) descent in gnomAD. At this time, the clinical significance of this variant is uncertain due to the absence of conclusive functional and genetic evidence.